The following is an entry in ClinVar:

ClinVar aggregate classification (germline): Uncertain significance (1 of 4 stars; one submission).

Conditions:
Ataxia-telangiectasia syndrome (AT). Also called: Ataxia-telangiectasia, complementation group D; AT, COMPLEMENTATION GROUP C; Ataxia-telangiectasia; Ataxia telangiectasia (A-T); LOUIS-BAR SYNDROME; Cerebello-oculocutaneous telangiectasia. Identifiers: Orphanet 100, MedGen C0004135, MONDO:0008840, OMIM 208900.

Submission:

Labcorp Genetics (formerly Invitae), Labcorp
Classification: Uncertain significance for Ataxia-telangiectasia syndrome. Last evaluated: 2025-10-06. Review status: criteria provided, single submitter. Criteria: Invitae Variant Classification Sherloc (09022015). Collection method: clinical testing. Allele origin: germline.
Comment: This sequence change falls in intron 14 of the ATM gene. It does not directly change the encoded amino acid sequence of the ATM protein. It affects a nucleotide within the consensus splice site. This variant is not present in population databases (gnomAD no frequency). This variant has not been reported in the literature in individuals affected with ATM-related conditions. Variants that disrupt the consensus splice site are a relatively common cause of aberrant splicing (PMID: 17576681, 9536098). Algorithms developed to predict the effect of sequence changes on RNA splicing suggest that this variant may disrupt the consensus splice site. In summary, the available evidence is currently insufficient to determine the role of this variant in disease. Therefore, it has been classified as a Variant of Uncertain Significance.

Literature cited by the submitters: PubMed 17576681; PubMed 9536098.

NM_000051.4(ATM):c.2250+5G>T

Gene: ATM (ATM serine/threonine kinase; plus strand). Cytogenetic location: 11q22.3.
Variant type: single nucleotide variant.
Coding change: c.2250+5G>T on transcript NM_000051.4 (MANE Select); 5 bases into the intron after coding-DNA position 2250, G replaced by T.
Molecular consequence: intron variant.
Genome position (GRCh38, 1-based): chr11:108,256,345, G>T. VCF-style: chr11-108256345-G-T. GRCh37 (hg19) VCF-style: chr11-108127072-G-T.
Other names: c.2250+5G>T (NM_001351834.2).
Identifiers: ClinVar variation 4753397 (VCV004753397.1).